The following is an entry in ClinVar:

NM_032043.3(BRIP1):c.1393T>A (p.Cys465Ser)

Gene: BRIP1 (BRCA1 interacting DNA helicase 1; minus strand). Cytogenetic location: 17q23.2.
Variant type: single nucleotide variant.
Coding change: c.1393T>A on transcript NM_032043.3 (MANE Select); coding-DNA position 1393, T replaced by A.
Protein change: p.Cys465Ser; replaces cysteine 465 with serine.
Molecular consequence: missense variant.
Genome position (GRCh38, 1-based): chr17:61,793,677, A>T on the plus strand (T>A on the coding strand, the complement: BRIP1 is on the minus strand). VCF-style: chr17-61793677-A-T. GRCh37 (hg19) VCF-style: chr17-59871038-A-T.
Other names: short protein forms C465S.
Identifiers: ClinVar variation 1718055 (VCV001718055.5), dbSNP rs1308550801, ClinGen allele CA400482213.

ClinVar aggregate classification (germline): Uncertain significance (1 of 4 stars; one submission).

Conditions:
Familial cancer of breast. Also called: BREAST CANCER, FAMILIAL; Hereditary breast cancer; hereditary breast carcinoma. Identifiers: Orphanet 227535, MedGen C0346153, MONDO:0016419, OMIM 114480. Disease mechanism: loss of function.
Fanconi anemia complementation group J. Also called: BRIP1-Related Fanconi Anemia. Identifiers: Orphanet 84, MedGen C1836860, MONDO:0012187, OMIM 609054.

Submission:

Labcorp Genetics (formerly Invitae), Labcorp
Classification: Uncertain significance for Familial cancer of breast; Fanconi anemia complementation group J. Last evaluated: 2023-05-21. Review status: criteria provided, single submitter. Criteria: Invitae Variant Classification Sherloc (09022015). Collection method: clinical testing. Allele origin: germline.
Comment: In summary, the available evidence is currently insufficient to determine the role of this variant in disease. Therefore, it has been classified as a Variant of Uncertain Significance. Advanced modeling of protein sequence and biophysical properties (such as structural, functional, and spatial information, amino acid conservation, physicochemical variation, residue mobility, and thermodynamic stability) performed at Invitae indicates that this missense variant is not expected to disrupt BRIP1 protein function. ClinVar contains an entry for this variant (Variation ID: 1718055). This variant has not been reported in the literature in individuals affected with BRIP1-related conditions. This variant is not present in population databases (gnomAD no frequency). This sequence change replaces cysteine, which is neutral and slightly polar, with serine, which is neutral and polar, at codon 465 of the BRIP1 protein (p.Cys465Ser).